The following is an entry in ClinVar:

NM_004606.5(TAF1):c.2203C>T (p.Leu735Phe)

Gene: TAF1 (TATA-box binding protein associated factor 1; plus strand). Cytogenetic location: Xq13.1.
Variant type: single nucleotide variant.
Coding change: c.2203C>T on transcript NM_004606.5 (MANE Select); coding-DNA position 2203, C replaced by T.
Protein change: p.Leu735Phe; replaces leucine 735 with phenylalanine.
Molecular consequence: missense variant. On other transcripts: non-coding transcript variant (9).
Genome position (GRCh38, 1-based): chrX:71,385,026, C>T. VCF-style: chrX-71385026-C-T. GRCh37 (hg19) VCF-style: chrX-70604876-C-T.
Other names: c.2203C>T, p.Leu735Phe (NM_001286074.2, NM_001440852.1, NM_001440853.1); c.2140C>T, p.Leu714Phe (NM_001440854.1, NM_138923.4); short protein forms L735F, L714F.
Identifiers: ClinVar variation 4695095 (VCV004695095.1).

ClinVar aggregate classification (germline): Uncertain significance (1 of 4 stars; one submission).

Submission:

Labcorp Genetics (formerly Invitae), Labcorp
Classification: Uncertain significance. Last evaluated: 2025-09-16. Review status: criteria provided, single submitter. Criteria: Invitae Variant Classification Sherloc (09022015). Collection method: clinical testing. Allele origin: germline.
Comment: This sequence change replaces leucine, which is neutral and non-polar, with phenylalanine, which is neutral and non-polar, at codon 755 of the TAF1 protein (p.Leu755Phe). This variant is not present in population databases (gnomAD no frequency). This variant has not been reported in the literature in individuals affected with TAF1-related conditions. Invitae Evidence Modeling of protein sequence and biophysical properties (such as structural, functional, and spatial information, amino acid conservation, physicochemical variation, residue mobility, and thermodynamic stability) has been performed for this missense variant. However, the output from this modeling did not meet the statistical confidence thresholds required to predict the impact of this variant on TAF1 protein function. In summary, the available evidence is currently insufficient to determine the role of this variant in disease. Therefore, it has been classified as a Variant of Uncertain Significance.